The following is an entry in ClinVar:

NM_001042492.3(NF1):c.4725-15_4725-3del

Gene: NF1 (neurofibromin 1; plus strand). Cytogenetic location: 17q11.2.
Variant type: Deletion.
Coding change: c.4725-15_4725-3del on transcript NM_001042492.3 (MANE Select); 15 bases into the intron before coding-DNA position 4725 through 3 bases into the intron before coding-DNA position 4725, 13 bases deleted (TTATTTTTCTTTT).
Molecular consequence: intron variant.
Genome position (GRCh38, 1-based): chr17:31,265,214-31,265,226, TTATTTTTCTTTT deleted. VCF-style (leftmost placement, unchanged base first): chr17-31265213-GTTATTTTTCTTTT-G. GRCh37 (hg19) VCF-style: chr17-29592231-GTTATTTTTCTTTT-G.
Other names: c.4662-15_4662-3del (NM_000267.4).
Identifiers: ClinVar variation 1066350 (VCV001066350.1), dbSNP rs2151469964, ClinGen allele CA2499224149.
Genomic context (GRCh38, chr17:31,265,213, plus strand): 5'-TATCCAATTATAGACTTTTTTACATACTCAGTAGACAACATAAAGCCTCATAATTACTCT[GTTATTTTTCTTTT>G]AGGCATCAGGTACATGAAAAAGAAGAATTCAAGGCTTTGAAAACGTTAAGTATTTTCTAC-3'

ClinVar aggregate classification (germline): Likely pathogenic (1 of 4 stars; one submission).

Conditions:
Neurofibromatosis, type 1 (NF1). Also called: VON RECKLINGHAUSEN DISEASE; Peripheral type neurofibromatosis; NEUROFIBROMATOSIS, TYPE I, SOMATIC; Neurofibromatosis, type I. Identifiers: Orphanet 636, MedGen C0027831, MONDO:0018975, OMIM 162200. Disease mechanism: loss of function.

Submission:

Labcorp Genetics (formerly Invitae), Labcorp
Classification: Likely pathogenic for Neurofibromatosis, type 1. Last evaluated: 2020-05-20. Review status: criteria provided, single submitter. Criteria: Invitae Variant Classification Sherloc (09022015). Collection method: clinical testing. Allele origin: germline.
Comment: This sequence change falls in intron 34 of the NF1 gene. It does not directly change the encoded amino acid sequence of the NF1 protein, but it affects a nucleotide within the consensus splice site of the intron. This variant is not present in population databases (ExAC no frequency). This variant has been observed in individual(s) with neurofibromatosis type 1 (Invitae). In at least one individual the variant was observed to be de novo. Nucleotide substitutions within the consensus splice site are a relatively common cause of aberrant splicing (PMID: 17576681, 9536098). Algorithms developed to predict the effect of sequence changes on RNA splicing suggest that this variant may disrupt the consensus splice site, but this prediction has not been confirmed by published transcriptional studies. In summary, the currently available evidence indicates that the variant is pathogenic, but additional data are needed to prove that conclusively. Therefore, this variant has been classified as Likely Pathogenic.

Literature cited by the submitters: PubMed 17576681; PubMed 9536098.